The following is an entry in ClinVar:

NM_002609.4(PDGFRB):c.844G>A (p.Glu282Lys)

Gene: PDGFRB (platelet derived growth factor receptor beta; minus strand). Cytogenetic location: 5q32.
Variant type: single nucleotide variant.
Coding change: c.844G>A on transcript NM_002609.4 (MANE Select); coding-DNA position 844, G replaced by A.
Protein change: p.Glu282Lys; replaces glutamic acid 282 with lysine.
Molecular consequence: missense variant.
Genome position (GRCh38, 1-based): chr5:150,133,676, C>T on the plus strand (G>A on the coding strand, the complement: PDGFRB is on the minus strand). VCF-style: chr5-150133676-C-T. GRCh37 (hg19) VCF-style: chr5-149513239-C-T.
Other names: c.652G>A, p.Glu218Lys (NM_001355016.2); c.361G>A, p.Glu121Lys (NM_001355017.2); c.844G>A (NM_002609.3); short protein forms E121K, E218K, E282K.
Identifiers: ClinVar variation 2934915 (VCV002934915.3), dbSNP rs34586048, ClinGen allele CA3508180.
Genomic context (GRCh38, chr5:150,133,676, plus strand): 5'-CCTGATGGTCATTCACACTCTCCGTCACATTGCAGGTGTAGGTCCCCGAGTCTTCTAACT[C>T]GGCACTGGGGATGTGCAGGATGGAGCGGATGTGGTAAGGCATATCCAAGAGGAAGTCAGT-3'
Protein context (NP_002600.1, residues 272-292): IRSILHIPSA[Glu282Lys]LEDSGTYTCN

ClinVar aggregate classification (germline): Conflicting classifications of pathogenicity. Review status: criteria provided, conflicting classifications (1 of 4 stars). 3 submissions from 3 submitters: Uncertain significance (2); Likely benign (1). Last evaluated 2025-05-20.

Conditions:
Inborn genetic diseases. Identifiers: MedGen C0950123, MeSH D030342.
Infantile myofibromatosis (IMF). Also called: Congenital generalized fibromatosis. Identifiers: Orphanet 2591, MedGen C0432284, MONDO:0016824.
Skeletal overgrowth-craniofacial dysmorphism-hyperelastic skin-white matter lesions syndrome. Also called: SKELETAL OVERGROWTH WITH FACIAL DYSMORPHISM, HYPERELASTIC SKIN, WHITE MATTER LESIONS, AND NEUROLOGIC DETERIORATION; Kosaki overgrowth syndrome. Identifiers: Orphanet 477831, MedGen C4225270, MONDO:0014704, OMIM 616592.
Acroosteolysis-keloid-like lesions-premature aging syndrome. Also called: Premature aging syndrome, Penttinen type; Prematurely aged appearance, delayed bone maturation, acro-osteolysis, and brachydactyly; Progeroid syndrome, Penttinen type. Identifiers: Orphanet 363665, MedGen C1866182, MONDO:0011150, OMIM 601812.
Basal ganglia calcification, idiopathic, 4 (PFBC4). Also called: Familial Idiopathic Basal Ganglia Calcification 4; PRIMARY FAMILIAL BRAIN CALCIFICATION 4, AUTOSOMAL DOMINANT. Identifiers: Orphanet 1980, MedGen C3554321, MONDO:0014004, OMIM 615007.

Allele frequency attached by ClinVar (database versions not stated): TOPMed 0.00011; 1000 Genomes Project 0.00020; gnomAD 0.00011; ExAC 0.00005; gnomAD exomes 0.00021; 1000 Genomes Project 30x 0.00031.
gnomAD v4.1: 313 of 1,614,034 alleles (0.019%); highest among the groups gnomAD compares: Middle Eastern, 0.082%; no homozygotes.

Submissions (3):

Women's Health and Genetics/Laboratory Corporation of America, LabCorp
Classification: Uncertain significance. Last evaluated: 2025-05-20. Review status: criteria provided, single submitter. Criteria: LabCorp Variant Classification Summary - May 2015. Collection method: clinical testing. Allele origin: germline.
Comment: Variant summary: PDGFRB c.844G>A (p.Glu282Lys) results in a conservative amino acid change in the encoded protein sequence. Algorithms developed to predict the effect of missense changes on protein structure and function all suggest that this variant is likely to be tolerated. The variant allele was found at a frequency of 4.4e-05 in 251476 control chromosomes. This frequency is not significantly higher than estimated for a pathogenic variant in PDGFRB causing PDGFRB-Related Disorders, allowing no conclusion about variant significance. To our knowledge, no occurrence of c.844G>A in individuals affected with PDGFRB-Related Disorders and no experimental evidence demonstrating its impact on protein function have been reported. ClinVar contains an entry for this variant (Variation ID: 2934915). Based on the evidence outlined above, the variant was classified as uncertain significance.

Labcorp Genetics (formerly Invitae), Labcorp
Classification: Uncertain significance for Basal ganglia calcification, idiopathic, 4; Skeletal overgrowth-craniofacial dysmorphism-hyperelastic skin-white matter lesions syndrome; Infantile myofibromatosis; Acroosteolysis-keloid-like lesions-premature aging syndrome. Last evaluated: 2023-08-06. Review status: criteria provided, single submitter. Criteria: Invitae Variant Classification Sherloc (09022015). Collection method: clinical testing. Allele origin: germline.
Comment: This sequence change replaces glutamic acid, which is acidic and polar, with lysine, which is basic and polar, at codon 282 of the PDGFRB protein (p.Glu282Lys). This variant is present in population databases (rs34586048, gnomAD 0.009%), and has an allele count higher than expected for a pathogenic variant. This variant has not been reported in the literature in individuals affected with PDGFRB-related conditions. Advanced modeling of protein sequence and biophysical properties (such as structural, functional, and spatial information, amino acid conservation, physicochemical variation, residue mobility, and thermodynamic stability) performed at Invitae indicates that this missense variant is not expected to disrupt PDGFRB protein function. In summary, the available evidence is currently insufficient to determine the role of this variant in disease. Therefore, it has been classified as a Variant of Uncertain Significance.

Ambry Genetics
Classification: Likely benign for Inborn genetic diseases. Last evaluated: 2022-09-25. Review status: criteria provided, single submitter. Criteria: Ambry Variant Classification Scheme 2023. Collection method: clinical testing. Allele origin: germline.